The following is an entry in ClinVar:

ClinVar aggregate classification (germline): Pathogenic (1 of 4 stars; one submission).

Submission:

GeneDx
Classification: Pathogenic. Last evaluated: 2026-02-06. Review status: criteria provided, single submitter. Criteria: GeneDx Variant Classification Process June 2021. Collection method: clinical testing. Allele origin: germline.
Comment: Frameshift variant predicted to result in abnormal protein length as the last 1387 amino acid(s) are replaced with 69 different amino acid(s), and other similar variants have been reported in HGMD; Has not been previously published as pathogenic or benign to our knowledge; This variant is associated with the following publications: (PMID: 16444271)

NM_002016.2(FLG):c.8017_8021dup (p.Ala2675fs)

Genes: CCDST (cervical cancer associated DHX9 suppressive transcript; plus strand), FLG (filaggrin; minus strand). Cytogenetic location: 1q21.3.
Variant type: Duplication.
Coding change: c.8017_8021dup on transcript NM_002016.2 (MANE Select); coding-DNA positions 8017 to 8021, 5 bases duplicated (GGACA; older notation c.8017_8021dupGGACA).
Protein change: p.Ala2675fs; shifts the reading frame from alanine 2675.
Molecular consequence: frameshift variant.
Genome position (GRCh38, 1-based): chr1:152,306,865-152,306,869, TGTCC duplicated on the plus strand (GGACA on the coding strand, the reverse complement: FLG is on the minus strand). VCF-style (leftmost placement, unchanged base first): chr1-152306864-T-TTGTCC. GRCh37 (hg19) VCF-style: chr1-152279340-T-TTGTCC.
Other names: short protein forms A2675fs.
Identifiers: ClinVar variation 4888023 (VCV004888023.1).